The following is an entry in ClinVar:

NM_004525.3(LRP2):c.1307A>G (p.Gln436Arg)

Gene: LRP2 (LDL receptor related protein 2; minus strand). Cytogenetic location: 2q31.1.
Variant type: single nucleotide variant.
Coding change: c.1307A>G on transcript NM_004525.3 (MANE Select); coding-DNA position 1307, A replaced by G.
Protein change: p.Gln436Arg; replaces glutamine 436 with arginine.
Molecular consequence: missense variant.
Genome position (GRCh38, 1-based): chr2:169,280,384, T>C on the plus strand (A>G on the coding strand, the complement: LRP2 is on the minus strand). VCF-style: chr2-169280384-T-C. GRCh37 (hg19) VCF-style: chr2-170136894-T-C.
Other names: c.1307A>G (NM_004525.2); short protein forms Q436R.
Identifiers: ClinVar variation 1934168 (VCV001934168.5), dbSNP rs994856301, ClinGen allele CA59930525.
Genomic context (GRCh38, chr2:169,280,384, plus strand): 5'-ATTCAGCTACTGAAATTTCTATTTACCTTATTTTGCACGGTGTCTGTCCAAAAAACTCTT[T>C]GCAGGTGATAGTGGAAAGCCACACCCACGGCCACTCCACGATTCTGAGACTCCACTAGGA-3'
Protein context (NP_004516.2, residues 426-446): AVGVAFHYHL[Gln436Arg]RVFWTDTVQN

ClinVar aggregate classification (germline): Uncertain significance. Review status: criteria provided, multiple submitters, no conflicts (2 of 4 stars). 2 submissions from 2 submitters: Uncertain significance (2). Last evaluated 2025-08-19.

Conditions:
Inborn genetic diseases. Identifiers: MedGen C0950123, MeSH D030342.

Allele frequency attached by ClinVar (database versions not stated): gnomAD exomes below 0.00001.
gnomAD v4.1: 1 of 1,614,178 alleles (0.000062%); highest among the groups gnomAD compares: African/African-American, 0.0013%; no homozygotes.

Submissions (2):

Ambry Genetics
Classification: Uncertain significance for Inborn genetic diseases. Last evaluated: 2025-08-19. Review status: criteria provided, single submitter. Criteria: Ambry Variant Classification Scheme 2023. Collection method: clinical testing. Allele origin: germline.

Labcorp Genetics (formerly Invitae), Labcorp
Classification: Uncertain significance. Last evaluated: 2024-03-04. Review status: criteria provided, single submitter. Criteria: Invitae Variant Classification Sherloc (09022015). Collection method: clinical testing. Allele origin: germline.
Comment: This sequence change replaces glutamine, which is neutral and polar, with arginine, which is basic and polar, at codon 436 of the LRP2 protein (p.Gln436Arg). This variant is present in population databases (no rsID available, gnomAD 0.007%). This variant has not been reported in the literature in individuals affected with LRP2-related conditions. ClinVar contains an entry for this variant (Variation ID: 1934168). Advanced modeling of protein sequence and biophysical properties (such as structural, functional, and spatial information, amino acid conservation, physicochemical variation, residue mobility, and thermodynamic stability) performed at Invitae indicates that this missense variant is not expected to disrupt LRP2 protein function with a negative predictive value of 80%. In summary, the available evidence is currently insufficient to determine the role of this variant in disease. Therefore, it has been classified as a Variant of Uncertain Significance.